The following is an entry in ClinVar:

NM_206933.4(USH2A):c.11647A>G (p.Ile3883Val)

Gene: USH2A (usherin; minus strand). Cytogenetic location: 1q41.
Variant type: single nucleotide variant.
Coding change: c.11647A>G on transcript NM_206933.4 (MANE Select); coding-DNA position 11647, A replaced by G.
Protein change: p.Ile3883Val; replaces isoleucine 3883 with valine.
Molecular consequence: missense variant.
Genome position (GRCh38, 1-based): chr1:215,741,439, T>C on the plus strand (A>G on the coding strand, the complement: USH2A is on the minus strand). VCF-style: chr1-215741439-T-C. GRCh37 (hg19) VCF-style: chr1-215914781-T-C.
Other names: short protein forms I3883V.
Identifiers: ClinVar variation 1420996 (VCV001420996.8), dbSNP rs755107631, ClinGen allele CA1393656.
Genomic context (GRCh38, chr1:215,741,439, plus strand): 5'-AAATAAAGTAGTTGATGATGATTCCATTTGGTTTTTCAGGTGGCATCCACTTAATCTCTA[T>C]GCAAGCTGACCCCAGTGCCTTAAGAACAGGAGAATTAAGATCCATTGGGGCTGCTTCAGG-3'
Protein context (NP_996816.3, residues 3873-3893): PVLKALGSAC[Ile3883Val]EIKWMPPEKP

ClinVar aggregate classification (germline): Uncertain significance (1 of 4 stars; one submission).

Allele frequency attached by ClinVar (database versions not stated): gnomAD exomes below 0.00001 and 0.00001; ExAC 0.00002.
gnomAD v4.1: 5 of 1,614,074 alleles (0.00031%); no homozygotes.

Submission:

Labcorp Genetics (formerly Invitae), Labcorp
Classification: Uncertain significance. Last evaluated: 2022-08-15. Review status: criteria provided, single submitter. Criteria: Invitae Variant Classification Sherloc (09022015). Collection method: clinical testing. Allele origin: germline.
Comment: ClinVar contains an entry for this variant (Variation ID: 1420996). Algorithms developed to predict the effect of missense changes on protein structure and function output the following: SIFT: "Deleterious"; PolyPhen-2: "Benign"; Align-GVGD: "Class C25". The valine amino acid residue is found in multiple mammalian species, which suggests that this missense change does not adversely affect protein function. In summary, the available evidence is currently insufficient to determine the role of this variant in disease. Therefore, it has been classified as a Variant of Uncertain Significance. This variant has not been reported in the literature in individuals affected with USH2A-related conditions. This sequence change replaces isoleucine, which is neutral and non-polar, with valine, which is neutral and non-polar, at codon 3883 of the USH2A protein (p.Ile3883Val). This variant is present in population databases (rs755107631, gnomAD 0.009%).